The following is an entry in ClinVar:

NM_003000.3(SDHB):c.221A>T (p.Asp74Val)

Gene: SDHB (succinate dehydrogenase complex iron sulfur subunit B; minus strand). Cytogenetic location: 1p36.13.
Variant type: single nucleotide variant.
Coding change: c.221A>T on transcript NM_003000.3 (MANE Select); coding-DNA position 221, A replaced by T.
Protein change: p.Asp74Val; replaces aspartic acid 74 with valine.
Molecular consequence: missense variant.
Genome position (GRCh38, 1-based): chr1:17,033,125, T>A on the plus strand (A>T on the coding strand, the complement: SDHB is on the minus strand). VCF-style: chr1-17033125-T-A. GRCh37 (hg19) VCF-style: chr1-17359620-T-A.
Other names: short protein forms D74V.
Identifiers: ClinVar variation 820912 (VCV000820912.4), dbSNP rs876658713, ClinGen allele CA338276604.

ClinVar aggregate classification (germline): Likely pathogenic (1 of 4 stars; one submission).

Conditions:
Hereditary cancer-predisposing syndrome. Also called: Neoplastic Syndromes, Hereditary; Tumor predisposition; Hereditary Cancer Syndrome; Hereditary neoplastic syndrome. Identifiers: Orphanet 140162, MedGen C0027672, MeSH D009386, MONDO:0015356.

Submission:

Ambry Genetics
Classification: Likely pathogenic for Hereditary cancer-predisposing syndrome. Last evaluated: 2019-06-10. Review status: criteria provided, single submitter. Criteria: Ambry Variant Classification Scheme 2023. Collection method: clinical testing. Allele origin: germline.
Comment: The p.D74V variant (also known as c.221A>T), located in coding exon 3 of the SDHB gene, results from an A to T substitution at nucleotide position 221. The aspartic acid at codon 74 is replaced by valine, an amino acid with highly dissimilar properties. Based on internal structural analysis, this variant is anticipated to result in a decrease in structural stability (Ambry internal data). This amino acid position is highly conserved in available vertebrate species. In addition, this alteration is predicted to be deleterious by in silico analysis. Based on the majority of available evidence to date, this variant is likely to be pathogenic.

Literature cited by the submitters: PubMed 21822798.